The following is an entry in ClinVar:

NM_000059.4(BRCA2):c.7976+1G>A

Gene: BRCA2 (BRCA2 DNA repair associated; plus strand). Cytogenetic location: 13q13.1.
Variant type: single nucleotide variant.
Coding change: c.7976+1G>A on transcript NM_000059.4 (MANE Select); the canonical splice donor site of the intron after coding-DNA position 7976, G replaced by A.
Molecular consequence: splice donor variant.
Genome position (GRCh38, 1-based): chr13:32,362,694, G>A. VCF-style: chr13-32362694-G-A. GRCh37 (hg19) VCF-style: chr13-32936831-G-A.
Other names: IVS17+1G>A; c.7976+1G>A (NM_001406720.1); c.7880+1G>A (NM_001406719.1); c.3044+1G>A (NM_001406721.1); c.1559+1G>A (NM_001406722.1).
Identifiers: ClinVar variation 52452 (VCV000052452.52), dbSNP rs81002873, ClinGen allele CA025364.

ClinVar aggregate classification (germline): Pathogenic. Review status: reviewed by expert panel (3 of 4 stars). 13 submissions from 13 submitters: Pathogenic (1). 12 of the submissions do not count toward it. Last evaluated 2019-06-18.

Conditions:
BRCA2-related cancer predisposition. Identifiers: MedGen CN377758, MONDO:0700269.
BRCA2-related disorder. Also called: BRCA2-related condition; BRCA2-related disorders. Identifiers: MedGen CN239275.
Hereditary cancer-predisposing syndrome. Also called: Hereditary Cancer Syndrome; Neoplastic Syndromes, Hereditary; Hereditary neoplastic syndrome; Tumor predisposition. Identifiers: Orphanet 140162, MedGen C0027672, MeSH D009386, MONDO:0015356.
Hereditary breast ovarian cancer syndrome. Also called: Breast and ovarian cancer; Hereditary breast and ovarian cancer syndrome; Hereditary breast and ovarian cancer syndrome (HBOC); BRCA1- and BRCA2-Associated Hereditary Breast and Ovarian Cancer; Hereditary breast and ovarian cancer; Hereditary breast and/or ovarian cancer syndrome. Identifiers: Orphanet 145, MedGen C0677776, MeSH D061325, MONDO:0003582. Disease mechanism: loss of function.
Breast-ovarian cancer, familial, susceptibility to, 2 (BROVCA2). Also called: BRCA2 Hereditary Breast and Ovarian Cancer. Identifiers: Orphanet 145, MedGen C2675520, MONDO:0012933, OMIM 612555. Disease mechanism: loss of function.

Submissions 1 to 8 of 13:

Evidence-based Network for the Interpretation of Germline Mutant Alleles (ENIGMA)
Classification: Pathogenic for Breast-ovarian cancer, familial, susceptibility to, 2. Last evaluated: 2019-06-18. Review status: reviewed by expert panel. Criteria: ENIGMA BRCA1/2 Classification Criteria (2017-06-29). Collection method: curation. Allele origin: germline.
Comment: IARC class based on posterior probability from multifactorial likelihood analysis, thresholds for class as per Plon et al. 2008 (PMID: 18951446). Class 5 based on posterior probability = 0.999776

Hema, HEMA – Genetic and Molecular Diagnostic Laboratory
Classification: Pathogenic for BRCA2-related cancer predisposition. Last evaluated: 2026-05-28. Review status: criteria provided, single submitter. Criteria: HEMA Variant Classification Assertion Criteria. Collection method: clinical testing. Allele origin: germline. Not counted in ClinVar's aggregate classification.
Comment: The variant c.7976+1G>A is a transition from guanine to adenine located at the donor splicing site of intron 17 of BRCA2. PVS1 (RNA): RNA studies (using a minigene assay) demonstrate that the variant alters splicing, resulting in in-frame exon 17 skipping and altering the BRCT domain, which is essential for BRCA2 function (PMID: 28339459). PM2_Supporting: Absent in the gnomAD v2.1 (non-cancer) and gnomAD v3.1 (non-cancer) databases. PP4_Strong: Multifactorial likelihood ratio analysis using clinically calibrated data produced a combined LR for this variant of 138.2 ≥ 18.7 (based on LR of co-occurrence = 1.2157; LR of family history = 160.5676; LR of cosegregation = 0.7080).

Women's Health and Genetics/Laboratory Corporation of America, LabCorp
Classification: Pathogenic for Hereditary breast ovarian cancer syndrome. Last evaluated: 2025-05-29. Review status: criteria provided, single submitter. Criteria: LabCorp Variant Classification Summary - May 2015. Collection method: clinical testing. Allele origin: germline. Not counted in ClinVar's aggregate classification.
Comment: Variant summary: BRCA2 c.7976+1G>A is located in a canonical splice-site and is predicted to affect mRNA splicing resulting in a significantly altered protein due to either exon skipping, shortening, or inclusion of intronic material. Variants that disrupt the consensus splice site are a relatively common cause of aberrant splicing and loss of BRCA2 function. A computational tool predicts a significant impact on normal splicing, suggesting the variant abolishes a canonical 5' splicing donor site. At least one publication reports experimental evidence that this variant affects mRNA splicing, resulting in skipping of exon 17 and an in-frame deletion (Fraile-Bethencourt_2017). The variant was absent in 251134 control chromosomes (gnomAD). c.7976+1G>A has been observed in individuals affected with Hereditary Breast And Ovarian Cancer Syndrome (e.g., Palma_2008, Li_2018, Wen_2018, Wei_2023). These data indicate that the variant is likely to be associated with disease. The following publications have been ascertained in the context of this evaluation (PMID: 18703817, 28339459, 30078507, 28993434, 37310942). ClinVar contains an entry for this variant (Variation ID: 52452). Based on the evidence outlined above, the variant was classified as pathogenic.

Labcorp Genetics (formerly Invitae), Labcorp
Classification: Pathogenic for Hereditary breast ovarian cancer syndrome. Last evaluated: 2025-04-02. Review status: criteria provided, single submitter. Criteria: Invitae Variant Classification Sherloc (09022015). Collection method: clinical testing. Allele origin: germline. Not counted in ClinVar's aggregate classification.
Comment: This sequence change affects a donor splice site in intron 17 of the BRCA2 gene. RNA analysis indicates that disruption of this splice site induces altered splicing and likely results in a shortened protein product. This variant is not present in population databases (gnomAD no frequency). Disruption of this splice site has been observed in individual(s) with or at high risk of breast and/or ovarian cancer (PMID: 17851763, 18703817, 22970155, 28993434, 29446198). ClinVar contains an entry for this variant (Variation ID: 52452). Studies have shown that disruption of this splice site results in skipping of exon 17, but is expected to preserve the integrity of the reading-frame (PMID: 28339459, 31191615; internal data). This variant disrupts a region of the BRCA2 protein in which other variant(s) (p.Leu2653Pro) have been determined to be pathogenic (PMID: 22678057, 29061967; internal data). This suggests that this is a clinically significant region of the protein, and that variants that disrupt it are likely to be disease-causing. For these reasons, this variant has been classified as Pathogenic.

CeGaT Center for Human Genetics Tuebingen
Classification: Pathogenic. Last evaluated: 2024-04-01. Review status: criteria provided, single submitter. Criteria: CeGaT Center For Human Genetics Tuebingen Variant Classification Criteria Version 2. Collection method: clinical testing. Allele origin: germline. Affected: yes. Observed: 1 variant allele. Not counted in ClinVar's aggregate classification.
Comment: BRCA2: PVS1, PM2, PS4:Moderate

Ambry Genetics
Classification: Pathogenic for Hereditary cancer-predisposing syndrome. Last evaluated: 2023-07-06. Review status: criteria provided, single submitter. Criteria: Ambry Variant Classification Scheme 2023. Collection method: clinical testing. Allele origin: germline. Not counted in ClinVar's aggregate classification.
Comment: The c.7976+1G>A intronic pathogenic mutation results from a G to A substitution one nucleotide after coding exon 16 of the BRCA2 gene. This alteration has been detected in multiple breast cancer families (Palma MD et al. Cancer Res. 2008 Sep 1;68(17):7006-14; Li WF et al. Breast Cancer Res Treat. 2008 Jul;110(1):99-109). This nucleotide position is highly conserved in available vertebrate species. In silico splice site analysis predicts that this alteration will weaken the native splice donor site. A minigene assay demonstrated that this alteration results in complete skipping of coding exon 16 (designated as exon 17 by the authors) (Fraile-Bethencourt E et al. PLoS Genet. 2017 Mar;13(3):e1006691). RNA studies have demonstrated that this alteration results in abnormal splicing in the set of samples tested (Ambry internal data). In addition to the clinical and experimental data presented in the literature, alterations that disrupt the canonical splice site are expected to cause aberrant splicing, resulting in an abnormal protein or a transcript that is subject to nonsense-mediated mRNA decay. As such, this alteration is classified as a disease-causing mutation.

GeneDx
Classification: Pathogenic. Last evaluated: 2022-08-20. Review status: criteria provided, single submitter. Criteria: GeneDx Variant Classification Process June 2021. Collection method: clinical testing. Allele origin: germline. Affected: yes. Not counted in ClinVar's aggregate classification.
Comment: Canonical splice site variant demonstrated to result in the in-frame deletion of exon 17, impacting BRCA2 function (Wu 2005, Fraile-Bethencourt 2017); Not observed at significant frequency in large population cohorts (gnomAD); Also known as c.8204+1G>A; This variant is associated with the following publications: (PMID: 27157322, 18703817, 31131967, 29922827, 25525159, 17851763, 28339459, 29969168, 28993434, 29446198, 31825140, 30702160, 30078507, 32665702, 15695382)

Laboratory for Molecular Medicine, Mass General Brigham Personalized Medicine
Classification: Likely pathogenic for Hereditary breast ovarian cancer syndrome. Last evaluated: 2020-10-30. Review status: criteria provided, single submitter. Criteria: LMM Criteria. Collection method: clinical testing. Allele origin: germline. Inheritance: Autosomal dominant inheritance. Observed: 1 variant allele. Not counted in ClinVar's aggregate classification.
Comment: The c.7976+1G>A variant in BRCA2 has been reported in at least 6 individuals with BRCA2-associated cancers (Li 2018 PMID: 30078507, Wen 2018 PMID:28993434, additional studies summarized in Bhaskaran 2019 PMID: 30702160). Additionally, it was identified in several "high risk" individuals with a personal or family history of BRCA1/2 associated cancers that have undergone clinical genetic testing (Palma 2008 PMID: 18703817, Kwong 2016 PMID: 26187060, Rebbeck 2018 PMID: 29446198). It was absent from large population studies. This variant occurs within the canonical splice site (+/- 1,2) and is predicted to cause altered splicing leading to an abnormal or absent protein. In vitro functional studies show that this variant causes skipping of exon 17 leading to an in-frame deletion of 56 amino acids (Fraile-Bethencourt 2017 PMID: 28339459) that represents less than 10% of the BRCA2 protein. This variant was classified as pathogenic on June 18, 2019 by the ClinGen-approved ENIGMA expert panel (SCV001161564.1). In summary, although additional studies are required to fully establish its clinical significance, this variant meets criteria to be classified as likely pathogenic for autosomal dominant HBOC. ACMG/AMP Criteria applied: PVS1_Moderate, PS4_Moderate, PM2_Supporting, PS3_Supporting.